The following is an entry in ClinVar:

NM_000426.4(LAMA2):c.6543C>A (p.Asn2181Lys)

Gene: LAMA2 (laminin subunit alpha 2; plus strand). Cytogenetic location: 6q22.33.
Variant type: single nucleotide variant.
Coding change: c.6543C>A on transcript NM_000426.4 (MANE Select); coding-DNA position 6543, C replaced by A.
Protein change: p.Asn2181Lys; replaces asparagine 2181 with lysine.
Molecular consequence: missense variant.
Genome position (GRCh38, 1-based): chr6:129,453,101, C>A. VCF-style: chr6-129453101-C-A. GRCh37 (hg19) VCF-style: chr6-129774246-C-A.
Other names: c.6543C>A, p.Asn2181Lys (NM_001079823.2); short protein forms N2181K.
Identifiers: ClinVar variation 1412483 (VCV001412483.5), dbSNP rs373017804, ClinGen allele CA3994293.

ClinVar aggregate classification (germline): Uncertain significance (1 of 4 stars; one submission).

Conditions:
LAMA2-related muscular dystrophy (LAMA2-RD). Also called: Laminin alpha 2-related dystrophy. Identifiers: MedGen C5679788, MONDO:0100228.

Allele frequency attached by ClinVar (database versions not stated): gnomAD 0.00001; gnomAD exomes 0.00001 and 0.00004; ExAC 0.00002; TOPMed 0.00002; ESP Exome Variant Server 0.00031.
gnomAD v4.1: 55 of 1,612,856 alleles (0.0034%); highest among the groups gnomAD compares: Non-Finnish European, 0.0046%; no homozygotes.

Submission:

Labcorp Genetics (formerly Invitae), Labcorp
Classification: Uncertain significance for LAMA2-related muscular dystrophy. Last evaluated: 2022-08-31. Review status: criteria provided, single submitter. Criteria: Invitae Variant Classification Sherloc (09022015). Collection method: clinical testing. Allele origin: germline.
Comment: This sequence change replaces asparagine, which is neutral and polar, with lysine, which is basic and polar, at codon 2181 of the LAMA2 protein (p.Asn2181Lys). This variant is present in population databases (rs373017804, gnomAD 0.002%). This variant has not been reported in the literature in individuals affected with LAMA2-related conditions. ClinVar contains an entry for this variant (Variation ID: 1412483). Advanced modeling of protein sequence and biophysical properties (such as structural, functional, and spatial information, amino acid conservation, physicochemical variation, residue mobility, and thermodynamic stability) performed at Invitae indicates that this missense variant is not expected to disrupt LAMA2 protein function. In summary, the available evidence is currently insufficient to determine the role of this variant in disease. Therefore, it has been classified as a Variant of Uncertain Significance.